The following is an entry in ClinVar:

ClinVar aggregate classification (germline): Uncertain significance (1 of 4 stars; one submission).

Submission:

GeneDx
Classification: Uncertain significance. Last evaluated: 2021-04-07. Review status: criteria provided, single submitter. Criteria: GeneDx Variant Classification Process June 2021. Collection method: clinical testing. Allele origin: germline. Affected: yes.
Comment: Not observed in large population cohorts (Lek et al., 2016); In silico analysis supports that this missense variant does not alter protein structure/function; Has not been previously published as pathogenic or benign to our knowledge

NM_133433.4(NIPBL):c.1361A>C (p.Gln454Pro)

Gene: NIPBL (NIPBL cohesin loading factor; plus strand). Cytogenetic location: 5p13.2.
Variant type: single nucleotide variant.
Coding change: c.1361A>C on transcript NM_133433.4 (MANE Select); coding-DNA position 1361, A replaced by C.
Protein change: p.Gln454Pro; replaces glutamine 454 with proline.
Molecular consequence: missense variant.
Genome position (GRCh38, 1-based): chr5:36,976,268, A>C. VCF-style: chr5-36976268-A-C. GRCh37 (hg19) VCF-style: chr5-36976370-A-C.
Other names: c.1361A>C, p.Gln454Pro (NM_015384.5); short protein forms Q454P.
Identifiers: ClinVar variation 1314332 (VCV001314332.2), dbSNP rs752461981, ClinGen allele CA359486847.